The following is an entry in ClinVar:

ClinVar aggregate classification (germline): Conflicting classifications of pathogenicity. Review status: criteria provided, conflicting classifications (1 of 4 stars). 2 submissions from 2 submitters: Uncertain significance (1); Likely benign (1). Last evaluated 2024-08-18.

Conditions:
Hereditary cancer-predisposing syndrome. Also called: Hereditary Cancer Syndrome; Hereditary neoplastic syndrome; Neoplastic Syndromes, Hereditary; Tumor predisposition. Identifiers: Orphanet 140162, MedGen C0027672, MeSH D009386, MONDO:0015356.

Submissions (2):

Ambry Genetics
Classification: Likely benign for Hereditary cancer-predisposing syndrome. Last evaluated: 2024-08-18. Review status: criteria provided, single submitter. Criteria: Ambry Variant Classification Scheme 2023. Collection method: clinical testing. Allele origin: germline.

Sema4
Classification: Uncertain significance for Hereditary cancer-predisposing syndrome. Last evaluated: 2021-09-09. Review status: criteria provided, single submitter. Criteria: Sema4 Curation Guidelines. Collection method: curation. Allele origin: germline.
Comment: The RET c.909G>A (p.V303=) variant has not been reported in the literature to our knowledge. It was not observed in the large and broad cohorts of the Genome Aggregation Database. This variant has not been reported in ClinVar. In silico tools suggest that the variant may create or strengthen a cryptic splice site, though these predictions have not been confirmed by functional studies. The evidence is insufficient to meet ACMG/AMP criteria for classifying the variant as benign or pathogenic. Thus, the clinical significance of this variant is currently uncertain.

NM_020975.6(RET):c.909G>A (p.Val303=)

Gene: RET (ret proto-oncogene; plus strand). Cytogenetic location: 10q11.21.
Variant type: single nucleotide variant.
Coding change: c.909G>A on transcript NM_020975.6 (MANE Select); coding-DNA position 909, G replaced by A.
Protein change: p.Val303=; no amino-acid change (valine 303 retained).
Molecular consequence: synonymous variant. On other transcripts: intron variant (25).
Genome position (GRCh38, 1-based): chr10:43,106,417, G>A. VCF-style: chr10-43106417-G-A. GRCh37 (hg19) VCF-style: chr10-43601865-G-A.
Other names: c.909G>A, p.Val303= (NM_000323.2, NM_001406743.1, NM_001406744.1 and 6 more transcripts); c.147G>A, p.Val49= (NM_001355216.2); c.780G>A, p.Val260= (NM_001406761.1, NM_001406762.1, NM_001406764.1 and 1 more transcripts); c.621G>A, p.Val207= (NM_001406766.1, NM_001406767.1, NM_001406770.1); c.867+1224G>A (NM_001406772.1, NM_001406769.1); c.626-2614G>A (NM_001406773.1, NM_001406771.1); c.625+3788G>A (NM_001406782.1, NM_001406780.1, NM_001406779.1 and 3 more transcripts); c.738+1224G>A (NM_001406774.1); and 5 more.
Identifiers: ClinVar variation 1691916 (VCV001691916.2), dbSNP rs1478633054, ClinGen allele CA469023605.